The following is an entry in ClinVar:

NM_001365276.2(TNXB):c.3348C>T (p.Val1116=)

Gene: TNXB (tenascin XB; minus strand). Cytogenetic location: 6p21.33.
Variant type: single nucleotide variant.
Coding change: c.3348C>T on transcript NM_001365276.2 (MANE Select); coding-DNA position 3348, C replaced by T.
Protein change: p.Val1116=; no amino-acid change (valine 1116 retained).
Molecular consequence: synonymous variant.
Genome position (GRCh38, 1-based): chr6:32,084,510, G>A on the plus strand (C>T on the coding strand, the complement: TNXB is on the minus strand). VCF-style: chr6-32084510-G-A. GRCh37 (hg19) VCF-style: chr6-32052287-G-A.
Other names: c.4089C>T, p.Val1363= (NM_001428335.1); c.3348C>T, p.Val1116= (NM_019105.8).
Identifiers: ClinVar variation 4874069 (VCV004874069.2).

ClinVar aggregate classification (germline): Likely benign (1 of 4 stars; one submission).

gnomAD v4.1: 5 of 1,609,106 alleles (0.00031%); highest among the groups gnomAD compares: East Asian, 0.0045%; no homozygotes.

Submission:

CeGaT Center for Human Genetics Tuebingen
Classification: Likely benign. Last evaluated: 2026-06-01. Review status: criteria provided, single submitter. Criteria: CeGaT Center For Human Genetics Tuebingen Variant Classification Criteria Version 2. Collection method: clinical testing. Allele origin: germline. Affected: yes. Observed: 1 variant allele.
Comment: TNXB: BP4, BP7